The following is an entry in ClinVar:

ClinVar aggregate classification (germline): Uncertain significance (1 of 4 stars; one submission).

Conditions:
Cohen syndrome (COH1). Also called: Cutis verticis gyrata, retinitis pigmentosa, and sensorineural deafness; PEPPER SYNDROME. Identifiers: Orphanet 193, MedGen C0265223, MONDO:0008999, OMIM 216550.

Allele frequency attached by ClinVar (database versions not stated): gnomAD exomes 0.00001.

Submission:

Labcorp Genetics (formerly Invitae), Labcorp
Classification: Uncertain significance for Cohen syndrome. Last evaluated: 2022-06-14. Review status: criteria provided, single submitter. Criteria: Invitae Variant Classification Sherloc (09022015). Collection method: clinical testing. Allele origin: germline.
Comment: This sequence change replaces tyrosine, which is neutral and polar, with cysteine, which is neutral and slightly polar, at codon 3136 of the VPS13B protein (p.Tyr3136Cys). This variant is present in population databases (no rsID available, gnomAD 0.004%). This variant has not been reported in the literature in individuals affected with VPS13B-related conditions. Algorithms developed to predict the effect of missense changes on protein structure and function output the following: SIFT: "Not Available"; PolyPhen-2: "Benign"; Align-GVGD: "Not Available". The cysteine amino acid residue is found in multiple mammalian species, which suggests that this missense change does not adversely affect protein function. In summary, the available evidence is currently insufficient to determine the role of this variant in disease. Therefore, it has been classified as a Variant of Uncertain Significance.

NM_152564.5(VPS13B):c.9332A>G (p.Tyr3111Cys)

Gene: VPS13B (vacuolar protein sorting 13 homolog B; plus strand). Cytogenetic location: 8q22.2.
Variant type: single nucleotide variant.
Coding change: c.9332A>G on transcript NM_152564.5 (MANE Select); coding-DNA position 9332, A replaced by G.
Protein change: p.Tyr3111Cys; replaces tyrosine 3111 with cysteine.
Molecular consequence: missense variant.
Genome position (GRCh38, 1-based): chr8:99,832,370, A>G. VCF-style: chr8-99832370-A-G. GRCh37 (hg19) VCF-style: chr8-100844598-A-G.
Other names: c.9407A>G, p.Tyr3136Cys (NM_017890.5); short protein forms Y3136C, Y3111C.
Identifiers: ClinVar variation 1980232 (VCV001980232.1), dbSNP rs199704158, ClinGen allele CA371781039.